The following is an entry in ClinVar:

NM_201548.5(CERKL):c.1160-13T>C

Gene: CERKL (CERK like autophagy regulator; minus strand). Cytogenetic location: 2q31.3.
Variant type: single nucleotide variant.
Coding change: c.1160-13T>C on transcript NM_201548.5 (MANE Select); 13 bases into the intron before coding-DNA position 1160, T replaced by C.
Molecular consequence: intron variant.
Genome position (GRCh38, 1-based): chr2:181,547,739, A>G on the plus strand (T>C on the coding strand, the complement: CERKL is on the minus strand). VCF-style: chr2-181547739-A-G. GRCh37 (hg19) VCF-style: chr2-182412466-A-G.
Other names: c.821-13T>C (NM_001030312.3); c.1106-13T>C (NM_001160277.2); c.953-13T>C (NM_001030313.3); c.1238-13T>C (NM_001030311.3).
Identifiers: ClinVar variation 2014216 (VCV002014216.4), dbSNP rs2468291768, ClinGen allele CA2525577677.

ClinVar aggregate classification (germline): Uncertain significance (1 of 4 stars; one submission).

Submission:

Labcorp Genetics (formerly Invitae), Labcorp
Classification: Uncertain significance. Last evaluated: 2022-07-05. Review status: criteria provided, single submitter. Criteria: Invitae Variant Classification Sherloc (09022015). Collection method: clinical testing. Allele origin: germline.
Comment: In summary, the available evidence is currently insufficient to determine the role of this variant in disease. Therefore, it has been classified as a Variant of Uncertain Significance. Algorithms developed to predict the effect of sequence changes on RNA splicing suggest that this variant may disrupt the consensus splice site. This variant has not been reported in the literature in individuals affected with CERKL-related conditions. This variant is not present in population databases (gnomAD no frequency). This sequence change falls in intron 10 of the CERKL gene. It does not directly change the encoded amino acid sequence of the CERKL protein.